The following is an entry in ClinVar:

ClinVar aggregate classification (germline): Uncertain significance (1 of 4 stars; one submission).

Submission:

Ambry Genetics
Classification: Uncertain significance. Last evaluated: 2025-09-11. Review status: criteria provided, single submitter. Criteria: Ambry Variant Classification Scheme 2023. Collection method: clinical testing. Allele origin: germline.
Comment: The p.P528A variant (also known as c.1582C>G), located in coding exon 2 of the CDK12 gene, results from a C to G substitution at nucleotide position 1582. The proline at codon 528 is replaced by alanine, an amino acid with highly similar properties. This amino acid position is conserved. In addition, this alteration is predicted to be tolerated by in silico analysis. Based on the available evidence, the clinical significance of this variant remains unclear.

NM_016507.4(CDK12):c.1582C>G (p.Pro528Ala)

Gene: CDK12 (cyclin dependent kinase 12; plus strand). Cytogenetic location: 17q12.
Variant type: single nucleotide variant.
Coding change: c.1582C>G on transcript NM_016507.4 (MANE Select); coding-DNA position 1582, C replaced by G.
Protein change: p.Pro528Ala; replaces proline 528 with alanine.
Molecular consequence: missense variant.
Genome position (GRCh38, 1-based): chr17:39,471,414, C>G. VCF-style: chr17-39471414-C-G. GRCh37 (hg19) VCF-style: chr17-37627667-C-G.
Other names: c.1582C>G, p.Pro528Ala (NM_015083.4); short protein forms P528A.
Identifiers: ClinVar variation 4224465 (VCV004224465.1).